The following is an entry in ClinVar:

ClinVar aggregate classification (germline): not provided (0 of 4 stars; one submission).

Conditions:
Familial cold autoinflammatory syndrome 1 (FCAS1). Also called: CRYOPYRIN-ASSOCIATED PERIODIC SYNDROME 1; Familial cold inflammatory syndrome 1. Identifiers: Orphanet 47045, MedGen C4551895, MONDO:0007349, OMIM 120100.

Submission:

Unité médicale des maladies autoinflammatoires, CHRU Montpellier
No classification provided. Condition: Familial cold urticaria. Review status: no classification provided. Collection method: not provided. Allele origin: unknown.
Comment: also involved in OMIM 191900 and 607115

NM_001243133.2(NLRP3):c.1760C>T (p.Thr587Ile)

Gene: NLRP3 (NLR family pyrin domain containing 3; plus strand). Cytogenetic location: 1q44.
Variant type: single nucleotide variant.
Coding change: c.1760C>T on transcript NM_001243133.2 (MANE Select); coding-DNA position 1760, C replaced by T.
Protein change: p.Thr587Ile; replaces threonine 587 with isoleucine.
Molecular consequence: missense variant.
Genome position (GRCh38, 1-based): chr1:247,425,209, C>T. VCF-style: chr1-247425209-C-T. GRCh37 (hg19) VCF-style: chr1-247588511-C-T.
Other names: c.1760C>T, p.Thr587Ile (NM_001079821.3, NM_001127461.3, NM_001127462.3 and 1 more transcripts); c.1766C>T, p.Thr589Ile (NM_004895.5); short protein forms T589I, T587I.
Identifiers: ClinVar variation 97950 (VCV000097950.1), dbSNP rs180177467, ClinGen allele CA281278.